The following is an entry in ClinVar:

ClinVar aggregate classification (germline): Uncertain significance (1 of 4 stars; one submission).

gnomAD v4.1: 31 of 1,614,064 alleles (0.0019%); highest among the groups gnomAD compares: East Asian, 0.047%; no homozygotes.

Submission:

GeneDx
Classification: Uncertain significance. Last evaluated: 2023-08-01. Review status: criteria provided, single submitter. Criteria: GeneDx Variant Classification Process June 2021. Collection method: clinical testing. Allele origin: germline. Affected: yes.
Comment: In silico analysis supports that this missense variant does not alter protein structure/function; Has not been previously published as pathogenic or benign to our knowledge

NM_001382391.1(CSPP1):c.3526G>A (p.Gly1176Arg)

Genes: ARFGEF1 (ARF guanine nucleotide exchange factor 1; minus strand), CSPP1 (centrosome and spindle pole associated protein 1; plus strand). Cytogenetic location: 8q13.2.
Variant type: single nucleotide variant.
Coding change: c.3526G>A on transcript NM_001382391.1 (MANE Select); coding-DNA position 3526, G replaced by A.
Protein change: p.Gly1176Arg; replaces glycine 1176 with arginine.
Molecular consequence: missense variant. On other transcripts: 3 prime UTR variant (1), intron variant (2).
Genome position (GRCh38, 1-based): chr8:67,195,438, G>A. VCF-style: chr8-67195438-G-A. GRCh37 (hg19) VCF-style: chr8-68107673-G-A.
Other names: c.3592G>A, p.Gly1198Arg (NM_001364869.1); c.3412G>A, p.Gly1138Arg (NM_001364870.1); c.3358G>A, p.Gly1120Arg (NM_001438330.1); c.*18G>A (NM_001438331.1); c.2827G>A, p.Gly943Arg (NM_001438332.1); c.3511G>A, p.Gly1171Arg (NM_024790.7); c.5367+4958C>T (NM_001413186.1); c.5385+4958C>T (NM_001413187.1); and 4 more; short protein forms G1084R, G1111R, G1138R, G1149R, G1171R, G1176R, G1198R, G826R.
Identifiers: ClinVar variation 3361816 (VCV003361816.1).
Genomic context (GRCh38, chr8:67,195,438, plus strand): 5'-GTAGATGATGAGAGTTCACTGGTTGACCCTGATGACATCATGAAACACATAGGGGATGAC[G>A]GATCAAACTCTGTAGCAACTGAGCCCTGGCTCCGCCCTGGCACTTCAGAAACGCTGAAAC-3'
Protein context (NP_001369320.1, residues 1166-1186): DDIMKHIGDD[Gly1176Arg]SNSVATEPWL